The following is an entry in ClinVar:

ClinVar aggregate classification (germline): Pathogenic (1 of 4 stars; one submission).

Conditions:
Familial adenomatous polyposis 1 (FAP1). Also called: POLYPOSIS, ADENOMATOUS INTESTINAL; FAMILIAL ADENOMATOUS POLYPOSIS 1, ATTENUATED. Identifiers: MedGen C2713442, MONDO:0021056, OMIM 175100. Disease mechanism: loss of function.

Submission:

Myriad Genetics, Inc.
Classification: Pathogenic for Familial adenomatous polyposis 1. Last evaluated: 2023-05-16. Review status: criteria provided, single submitter. Criteria: Myriad Autosomal Dominant, Autosomal Recessive and X-Linked Classification Criteria (2023). Collection method: clinical testing. Allele origin: unknown.
Comment: This variant is considered pathogenic. This variant creates a termination codon and is predicted to result in premature protein truncation.

NM_000038.6(APC):c.7852_7853del (p.Glu2617_Asn2618insTer)

Gene: APC (APC regulator of Wnt signaling pathway; plus strand). Cytogenetic location: 5q22.2.
Variant type: Deletion.
Coding change: c.7852_7853del on transcript NM_000038.6 (MANE Select); coding-DNA positions 7852 to 7853, 2 bases deleted (AA; older notation c.7852_7853delAA).
Protein change: p.Glu2617_Asn2618insTer.
Molecular consequence: nonsense. On other transcripts: non-coding transcript variant (2).
Genome position (GRCh38, 1-based): chr5:112,843,446-112,843,447, AA deleted; deleting any 2 consecutive bases within chr5:112,843,444-112,843,447 gives the same sequence; the c. name uses the placement nearest the transcript's 3' end. VCF-style (leftmost placement, unchanged base first): chr5-112843443-GAA-G. GRCh37 (hg19) VCF-style: chr5-112179140-GAA-G.
Other names: c.7852_7853del, p.Glu2617_Asn2618insTer (NM_001127510.3, NM_001354895.2, NM_001407450.1); c.7798_7799del, p.Glu2599_Asn2600insTer (NM_001127511.3); c.7906_7907del, p.Glu2635_Asn2636insTer (NM_001354896.2, NM_001407447.1, NM_001407448.1 and 1 more transcripts); c.7882_7883del, p.Glu2627_Asn2628insTer (NM_001354897.2); c.7777_7778del, p.Glu2592_Asn2593insTer (NM_001354898.2); c.7768_7769del, p.Glu2589_Asn2590insTer (NM_001354899.2); c.7729_7730del, p.Glu2576_Asn2577insTer (NM_001354900.2); c.7675_7676del, p.Glu2558_Asn2559insTer (NM_001354901.2, NM_001407453.1); and 11 more.
Identifiers: ClinVar variation 2583561 (VCV002583561.2), dbSNP rs2533824071, ClinGen allele CA2582341635.